The following is an entry in ClinVar:

NM_003000.3(SDHB):c.213G>A (p.Met71Ile)

Gene: SDHB (succinate dehydrogenase complex iron sulfur subunit B; minus strand). Cytogenetic location: 1p36.13.
Variant type: single nucleotide variant.
Coding change: c.213G>A on transcript NM_003000.3 (MANE Select); coding-DNA position 213, G replaced by A.
Protein change: p.Met71Ile; replaces methionine 71 with isoleucine.
Molecular consequence: missense variant.
Genome position (GRCh38, 1-based): chr1:17,033,133, C>T on the plus strand (G>A on the coding strand, the complement: SDHB is on the minus strand). VCF-style: chr1-17033133-C-T. GRCh37 (hg19) VCF-style: chr1-17359628-C-T.
Other names: c.213G>A, p.Met71Ile (NM_001407361.1); short protein forms M71I.
Identifiers: ClinVar variation 2016771 (VCV002016771.6), dbSNP rs2525031734, ClinGen allele CA338276621.
Genomic context (GRCh38, chr1:17,033,133, plus strand): 5'-TCTTCGGAAGGTCAAAGTAGAGTCAACTTCATTCTTAATCTTGATTAAAGCATCCAATAC[C>T]ATGGGGCCACATCTAACAAAGAAAAATATCCAGTGGTATTTATGTAACGTTCAACCTCCC-3'
Protein context (NP_002991.2, residues 61-81): YEVDLNKCGP[Met71Ile]VLDALIKIKN

ClinVar aggregate classification (germline): Conflicting classifications of pathogenicity. Review status: criteria provided, conflicting classifications (1 of 4 stars). 2 submissions from 2 submitters: Likely pathogenic (1); Uncertain significance (1). Last evaluated 2026-03-31.

Conditions:
Hereditary cancer-predisposing syndrome. Also called: Tumor predisposition; Hereditary Cancer Syndrome; Hereditary neoplastic syndrome; Neoplastic Syndromes, Hereditary. Identifiers: Orphanet 140162, MedGen C0027672, MeSH D009386, MONDO:0015356.
Pheochromocytoma. Also called: MAX-Related Hereditary Paraganglioma-Pheochromocytoma Syndrome. Identifiers: Orphanet 29072, MedGen C0031511, MONDO:0008233, OMIM 171300, HP:0002666.
Gastrointestinal stromal tumor. Also called: Gastrointestinal stroma tumor; Gastrointestinal stromal tumor, somatic. Identifiers: Orphanet 44890, MedGen C0238198, MeSH D046152, MONDO:0011719, OMIM 606764, HP:0100723.
Pheochromocytoma/paraganglioma syndrome 4. Also called: CAROTID BODY TUMORS AND MULTIPLE EXTRAADRENAL PHEOCHROMOCYTOMAS; PARAGANGLIOMA, FAMILIAL MALIGNANT; PARAGANGLIOMAS, HEREDITARY EXTRAADRENAL; PHEOCHROMOCYTOMA, FAMILIAL EXTRAADRENAL; Paragangliomas 4; SDHB-Related Hereditary Paraganglioma-Pheochromocytoma Syndrome (Paragangliomas 4). Identifiers: Orphanet 29072, MedGen C1861848, MONDO:0007273, OMIM 115310.

Submissions (2):

Ambry Genetics
Classification: Likely pathogenic for Hereditary cancer-predisposing syndrome. Last evaluated: 2026-03-31. Review status: criteria provided, single submitter. Criteria: Ambry Variant Classification Scheme 2023. Collection method: clinical testing. Allele origin: germline.
Comment: The p.M71I variant (also known as c.213G>A), located in coding exon 3 of the SDHB gene, results from a G to A substitution at nucleotide position 213. The methionine at codon 71 is replaced by isoleucine, an amino acid with highly similar properties. This variant was reported in individual(s) with features consistent with SDHB-related hereditary pheochromocytoma-paraganglioma (Ambry internal data). This amino acid position is highly conserved in available vertebrate species. In addition, this alteration is predicted to be deleterious by in silico analysis. Based on the majority of available evidence to date, this variant is likely to be pathogenic.

Labcorp Genetics (formerly Invitae), Labcorp
Classification: Uncertain significance for Gastrointestinal stromal tumor; Pheochromocytoma/paraganglioma syndrome 4; Pheochromocytoma. Last evaluated: 2022-07-13. Review status: criteria provided, single submitter. Criteria: Invitae Variant Classification Sherloc (09022015). Collection method: clinical testing. Allele origin: germline.
Comment: This sequence change replaces methionine, which is neutral and non-polar, with isoleucine, which is neutral and non-polar, at codon 71 of the SDHB protein (p.Met71Ile). This variant is not present in population databases (gnomAD no frequency). This variant has not been reported in the literature in individuals affected with SDHB-related conditions. Advanced modeling of protein sequence and biophysical properties (such as structural, functional, and spatial information, amino acid conservation, physicochemical variation, residue mobility, and thermodynamic stability) performed at Invitae indicates that this missense variant is expected to disrupt SDHB protein function. Algorithms developed to predict the effect of sequence changes on RNA splicing suggest that this variant may disrupt the consensus splice site. In summary, the available evidence is currently insufficient to determine the role of this variant in disease. Therefore, it has been classified as a Variant of Uncertain Significance.